The following is an entry in ClinVar:

ClinVar aggregate classification (germline): Conflicting classifications of pathogenicity. Review status: criteria provided, conflicting classifications (1 of 4 stars). 2 submissions from 2 submitters: Uncertain significance (1); Likely benign (1). Last evaluated 2026-07-24.

Conditions:
Inborn genetic diseases. Identifiers: MedGen C0950123, MeSH D030342.

Allele frequency attached by ClinVar (database versions not stated): ExAC 0.00001; gnomAD 0.00001; TOPMed 0.00002.
gnomAD v4.1: 42 of 1,613,966 alleles (0.0026%); highest among the groups gnomAD compares: South Asian, 0.0055%; no homozygotes.

Submissions (2):

GeneDx
Classification: Uncertain significance. Last evaluated: 2026-07-24. Review status: criteria provided, single submitter. Criteria: GeneDx Variant Classification Process June 2021. Collection method: clinical testing. Allele origin: germline.
Comment: In silico analysis supports that this missense variant has a deleterious effect on protein structure/function; Has not been previously published as pathogenic or benign to our knowledge

Ambry Genetics
Classification: Likely benign for Inborn genetic diseases. Last evaluated: 2022-12-21. Review status: criteria provided, single submitter. Criteria: Ambry Variant Classification Scheme 2023. Collection method: clinical testing. Allele origin: germline.

NM_001394062.1(MACF1):c.2876G>A (p.Arg959His)

Gene: MACF1 (microtubule actin crosslinking factor 1; plus strand). Cytogenetic location: 1p34.3.
Variant type: single nucleotide variant.
Coding change: c.2876G>A on transcript NM_001394062.1 (MANE Select); coding-DNA position 2876, G replaced by A.
Protein change: p.Arg959His; replaces arginine 959 with histidine.
Molecular consequence: missense variant.
Genome position (GRCh38, 1-based): chr1:39,309,656, G>A. VCF-style: chr1-39309656-G-A. GRCh37 (hg19) VCF-style: chr1-39775328-G-A.
Other names: c.2891G>A, p.Arg964His (NM_012090.5); short protein forms R959H, R964H.
Identifiers: ClinVar variation 2229641 (VCV002229641.4), dbSNP rs779141040, ClinGen allele CA779821.